The following is an entry in ClinVar:

NM_000379.4(XDH):c.1327A>C (p.Lys443Gln)

Gene: XDH (xanthine dehydrogenase; minus strand). Cytogenetic location: 2p23.1.
Variant type: single nucleotide variant.
Coding change: c.1327A>C on transcript NM_000379.4 (MANE Select); coding-DNA position 1327, A replaced by C.
Protein change: p.Lys443Gln; replaces lysine 443 with glutamine.
Molecular consequence: missense variant.
Genome position (GRCh38, 1-based): chr2:31,377,153, T>G on the plus strand (A>C on the coding strand, the complement: XDH is on the minus strand). VCF-style: chr2-31377153-T-G. GRCh37 (hg19) VCF-style: chr2-31600019-T-G.
Other names: short protein forms K443Q.
Identifiers: ClinVar variation 1967023 (VCV001967023.5), dbSNP rs2465373572, ClinGen allele CA346507805.
Genomic context (GRCh38, chr2:31,377,153, plus strand): 5'-TTCTGTTGGCCATTCCACCATAGCAAAGGGCCAGCTCCTGTACCTCTGTGGTTCCTGGCT[T>G]GAATAAAACTCTCATGCCACTGGTTACCTTGGCAATGTCATCTTCTCTCCGGGAGGCCTG-3'
Protein context (NP_000370.2, residues 433-453): KVTSGMRVLF[Lys443Gln]PGTTEVQELA

ClinVar aggregate classification (germline): Uncertain significance (1 of 4 stars; one submission).

Conditions:
Xanthinuria type II. Also called: Xanthine dehydrogenase and aldehyde oxidase combined deficiency of; XDH and AOX dual deficiency. Identifiers: Orphanet 3467, Orphanet 93602, MedGen C1863688, MONDO:0011346, OMIM 603592.

Submission:

Labcorp Genetics (formerly Invitae), Labcorp
Classification: Uncertain significance for Xanthinuria type II. Last evaluated: 2022-04-03. Review status: criteria provided, single submitter. Criteria: Invitae Variant Classification Sherloc (09022015). Collection method: clinical testing. Allele origin: germline.
Comment: Algorithms developed to predict the effect of missense changes on protein structure and function output the following: SIFT: "Tolerated"; PolyPhen-2: "Benign"; Align-GVGD: "Class C0". The glutamine amino acid residue is found in multiple mammalian species, which suggests that this missense change does not adversely affect protein function. In summary, the available evidence is currently insufficient to determine the role of this variant in disease. Therefore, it has been classified as a Variant of Uncertain Significance. This variant has not been reported in the literature in individuals affected with XDH-related conditions. This sequence change replaces lysine, which is basic and polar, with glutamine, which is neutral and polar, at codon 443 of the XDH protein (p.Lys443Gln). This variant is not present in population databases (gnomAD no frequency).